The following is an entry in ClinVar:

NM_000179.3(MSH6):c.552T>C (p.Asn184=)

Gene: MSH6 (mutS homolog 6; plus strand). Cytogenetic location: 2p16.3.
Variant type: single nucleotide variant.
Coding change: c.552T>C on transcript NM_000179.3 (MANE Select); coding-DNA position 552, T replaced by C.
Protein change: p.Asn184=; no amino-acid change (asparagine 184 retained).
Molecular consequence: synonymous variant. On other transcripts: 5 prime UTR variant (1), intron variant (2).
Genome position (GRCh38, 1-based): chr2:47,795,988, T>C. VCF-style: chr2-47795988-T-C. GRCh37 (hg19) VCF-style: chr2-48023127-T-C.
Other names: c.-351T>C (NM_001281494.2); c.-279-2623T>C (NM_001281493.2); c.238-2623T>C (NM_001281492.2).
Identifiers: ClinVar variation 187367 (VCV000187367.17), dbSNP rs786203679, ClinGen allele CA015842.
Genomic context (GRCh38, chr2:47,795,988, plus strand): 5'-TTTTTACAGTGCAAAGCCTGAAATACTGAGAGCAATGCAACGTGCAGATGAAGCCTTAAA[T>C]AAAGACAAGATTAAGAGGCTTGAATTGGCAGTTTGTGATGAGCCCTCAGAGCCAGAAGAG-3'
Protein context (NP_000170.1, residues 174-194): RAMQRADEAL[Asn184=]KDKIKRLELA

ClinVar aggregate classification (germline): Benign/Likely benign. Review status: criteria provided, multiple submitters, no conflicts (2 of 4 stars). 4 submissions from 4 submitters: Benign (1); Likely benign (3). Last evaluated 2025-08-17.

Conditions:
Hereditary nonpolyposis colorectal neoplasms. Identifiers: MedGen C0009405, MeSH D003123.
Hereditary cancer-predisposing syndrome. Also called: Neoplastic Syndromes, Hereditary; Tumor predisposition; Hereditary Cancer Syndrome; Hereditary neoplastic syndrome. Identifiers: Orphanet 140162, MedGen C0027672, MeSH D009386, MONDO:0015356.
Lynch syndrome 5 (LYNCH5). Also called: Colorectal cancer, hereditary nonpolyposis, type 5; Hereditary non-polyposis colorectal cancer, type 5. Identifiers: Orphanet 144, MedGen C1833477, MONDO:0013710, OMIM 614350. Disease mechanism: loss of function.

Allele frequency attached by ClinVar (database versions not stated): gnomAD exomes below 0.00001.

Submissions (4):

Color Diagnostics, LLC DBA Color Health
Classification: Likely benign for Hereditary cancer-predisposing syndrome. Last evaluated: 2025-08-17. Review status: criteria provided, single submitter. Criteria: ACMG Guidelines, 2015. Collection method: clinical testing. Allele origin: germline.

Labcorp Genetics (formerly Invitae), Labcorp
Classification: Likely benign for Hereditary nonpolyposis colorectal neoplasms. Last evaluated: 2025-01-20. Review status: criteria provided, single submitter. Criteria: Invitae Variant Classification Sherloc (09022015). Collection method: clinical testing. Allele origin: germline.

Myriad Genetics, Inc.
Classification: Benign for Lynch syndrome 5. Last evaluated: 2024-12-19. Review status: criteria provided, single submitter. Criteria: Myriad Autosomal Dominant, Autosomal Recessive and X-Linked Classification Criteria (2023). Collection method: clinical testing. Allele origin: unknown.
Comment: This variant is considered benign. This variant is a silent/synonymous amino acid change and it is not expected to impact splicing.

Ambry Genetics
Classification: Likely benign for Hereditary cancer-predisposing syndrome. Last evaluated: 2014-12-04. Review status: criteria provided, single submitter. Criteria: Ambry Variant Classification Scheme 2023. Collection method: clinical testing. Allele origin: germline.